The following is an entry in ClinVar:

ClinVar aggregate classification (germline): Uncertain significance. Review status: criteria provided, multiple submitters, no conflicts (2 of 4 stars). 2 submissions from 2 submitters: Uncertain significance (2). Last evaluated 2024-08-20.

Conditions:
Ataxia-telangiectasia syndrome (AT). Also called: LOUIS-BAR SYNDROME; Cerebello-oculocutaneous telangiectasia; Immunodeficiency with ataxia telangiectasia; ATAXIA-TELANGIECTASIA, COMPLEMENTATION GROUP A; ATAXIA-TELANGIECTASIA, FRESNO VARIANT; Ataxia-telangiectasia. Identifiers: Orphanet 100, MedGen C0004135, MONDO:0008840, OMIM 208900.
Hereditary cancer-predisposing syndrome. Also called: Tumor predisposition; Hereditary Cancer Syndrome; Neoplastic Syndromes, Hereditary; Hereditary neoplastic syndrome. Identifiers: Orphanet 140162, MedGen C0027672, MeSH D009386, MONDO:0015356.

Submissions (2):

Ambry Genetics
Classification: Uncertain significance for Hereditary cancer-predisposing syndrome. Last evaluated: 2024-08-20. Review status: criteria provided, single submitter. Criteria: Ambry Variant Classification Scheme 2023. Collection method: clinical testing. Allele origin: germline.
Comment: The c.6976-3C>T intronic variant results from a C to T substitution 3 nucleotides upstream from coding exon 47 in the ATM gene. This nucleotide position is not well conserved in available vertebrate species. In silico splice site analysis predicts that this alteration will not have any significant effect on splicing. Based on the available evidence, the clinical significance of this variant remains unclear.

Labcorp Genetics (formerly Invitae), Labcorp
Classification: Uncertain significance for Ataxia-telangiectasia syndrome. Last evaluated: 2024-06-28. Review status: criteria provided, single submitter. Criteria: Invitae Variant Classification Sherloc (09022015). Collection method: clinical testing. Allele origin: germline.
Comment: This sequence change falls in intron 47 of the ATM gene. It does not directly change the encoded amino acid sequence of the ATM protein. It affects a nucleotide within the consensus splice site. This variant is not present in population databases (gnomAD no frequency). This variant has not been reported in the literature in individuals affected with ATM-related conditions. Variants that disrupt the consensus splice site are a relatively common cause of aberrant splicing (PMID: 17576681, 9536098). Algorithms developed to predict the effect of sequence changes on RNA splicing suggest that this variant may disrupt the consensus splice site. In summary, the available evidence is currently insufficient to determine the role of this variant in disease. Therefore, it has been classified as a Variant of Uncertain Significance.

Literature cited by the submitters: PubMed 17576681 (cited by Labcorp Genetics (formerly Invitae), Labcorp); PubMed 9536098 (cited by Labcorp Genetics (formerly Invitae), Labcorp).

NM_000051.4(ATM):c.6976-3C>T

Genes: ATM (ATM serine/threonine kinase; plus strand), C11orf65 (chromosome 11 open reading frame 65; minus strand). Cytogenetic location: 11q22.3.
Variant type: single nucleotide variant.
Coding change: c.6976-3C>T on transcript NM_000051.4 (MANE Select); 3 bases into the intron before coding-DNA position 6976, C replaced by T.
Molecular consequence: intron variant.
Genome position (GRCh38, 1-based): chr11:108,327,642, C>T. VCF-style: chr11-108327642-C-T. GRCh37 (hg19) VCF-style: chr11-108198369-C-T.
Other names: c.6976-3C>T (NM_001351834.2); c.641-18571G>A (NM_001330368.2); c.*38+7578G>A (NM_001351110.2).
Identifiers: ClinVar variation 3450531 (VCV003450531.3).